The following is an entry in ClinVar:

ClinVar aggregate classification (germline): Pathogenic (1 of 4 stars; one submission).

Submission:

Labcorp Genetics (formerly Invitae), Labcorp
Classification: Pathogenic. Last evaluated: 2019-08-25. Review status: criteria provided, single submitter. Criteria: Invitae Variant Classification Sherloc (09022015). Collection method: clinical testing. Allele origin: germline.
Comment: This sequence change creates a premature translational stop signal (p.Tyr327Serfs*5) in the PHEX gene. It is expected to result in an absent or disrupted protein product. This variant is not present in population databases (ExAC no frequency). This variant has not been reported in the literature in individuals with PHEX-related conditions. Loss-of-function variants in PHEX are known to be pathogenic (PMID: 9097956, 9106524, 19219621). For these reasons, this variant has been classified as Pathogenic.

Literature cited by the submitters: PubMed 9097956; PubMed 9106524; PubMed 19219621.

NM_000444.6(PHEX):c.978_979dup (p.Tyr327fs)

Gene: PHEX (phosphate regulating endopeptidase X-linked; plus strand). Cytogenetic location: Xp22.11.
Variant type: Microsatellite.
Coding change: c.978_979dup on transcript NM_000444.6 (MANE Select); coding-DNA positions 978 to 979, 2 bases duplicated (CT; older notation c.978_979dupCT).
Protein change: p.Tyr327fs; shifts the reading frame from tyrosine 327.
Molecular consequence: frameshift variant.
Genome position (GRCh38, 1-based): chrX:22,099,050-22,099,051, CT duplicated; duplicating any 2 consecutive bases within chrX:22,099,048-22,099,051 gives the same sequence; the c. name uses the placement nearest the transcript's 3' end. VCF-style (leftmost placement, unchanged base first): chrX-22099047-A-ACT. GRCh37 (hg19) VCF-style: chrX-22117165-A-ACT.
Other names: c.978_979dup, p.Tyr327fs (NM_001282754.2); short protein forms Y327fs.
Identifiers: ClinVar variation 960052 (VCV000960052.7), dbSNP rs1930295441, ClinGen allele CA2419169435.